The following is an entry in ClinVar:

ClinVar aggregate classification (germline): Uncertain significance (1 of 4 stars; one submission).

Conditions:
Hereditary cancer-predisposing syndrome. Also called: Neoplastic Syndromes, Hereditary; Tumor predisposition; Hereditary Cancer Syndrome; Hereditary neoplastic syndrome. Identifiers: Orphanet 140162, MedGen C0027672, MeSH D009386, MONDO:0015356.

Submission:

Ambry Genetics
Classification: Uncertain significance for Hereditary cancer-predisposing syndrome. Last evaluated: 2022-05-21. Review status: criteria provided, single submitter. Criteria: Ambry Variant Classification Scheme 2023. Collection method: clinical testing. Allele origin: germline.
Comment: The p.Q1205R variant (also known as c.3614A>G), located in coding exon 17 of the MET gene, results from an A to G substitution at nucleotide position 3614. The glutamine at codon 1205 is replaced by arginine, an amino acid with highly similar properties. This amino acid position is conserved. In addition, this alteration is predicted to be deleterious by in silico analysis. Since supporting evidence is limited at this time, the clinical significance of this alteration remains unclear.

NM_000245.4(MET):c.3560A>G (p.Gln1187Arg)

Gene: MET (MET proto-oncogene, receptor tyrosine kinase; plus strand). Cytogenetic location: 7q31.2.
Variant type: single nucleotide variant.
Coding change: c.3560A>G on transcript NM_000245.4 (MANE Select); coding-DNA position 3560, A replaced by G.
Protein change: p.Gln1187Arg; replaces glutamine 1187 with arginine.
Molecular consequence: missense variant.
Genome position (GRCh38, 1-based): chr7:116,782,025, A>G. VCF-style: chr7-116782025-A-G. GRCh37 (hg19) VCF-style: chr7-116422079-A-G.
Other names: c.3614A>G, p.Gln1205Arg (NM_001127500.3); c.2270A>G, p.Gln757Arg (NM_001324402.2); short protein forms Q1205R, Q1187R, Q757R.
Identifiers: ClinVar variation 1733260 (VCV001733260.2), dbSNP rs2117059820, ClinGen allele CA368990982.